The following is an entry in ClinVar:

ClinVar aggregate classification (germline): Conflicting classifications of pathogenicity. Review status: criteria provided, conflicting classifications (1 of 4 stars). 5 submissions from 5 submitters: Uncertain significance (4); Likely benign (1). Last evaluated 2025-12-15.

Conditions:
Familial thoracic aortic aneurysm and aortic dissection (TAAD). Also called: Thoracic aortic aneurysms and dissections. Identifiers: Orphanet 91387, MedGen C4707243, MONDO:0019625.
Connective tissue disorder. Also called: Connective tissue disease. Identifiers: MedGen C0009782, MONDO:0003900.
Congenital contractural arachnodactyly (CCA). Also called: BEALS SYNDROME; Arthrogryposis, distal, type 9; Beals-Hecht syndrome. Identifiers: Orphanet 115, MedGen C0220668, MONDO:0007363, OMIM 121050.

Allele frequency attached by ClinVar (database versions not stated): gnomAD 0.00001; gnomAD exomes 0.00001 and 0.00002; TOPMed 0.00001; ExAC 0.00002.
gnomAD v4.1: 27 of 1,613,960 alleles (0.0017%); highest among the groups gnomAD compares: Non-Finnish European, 0.002%; no homozygotes.

Submissions (5):

Ambry Genetics
Classification: Uncertain significance for Familial thoracic aortic aneurysm and aortic dissection. Last evaluated: 2025-12-15. Review status: criteria provided, single submitter. Criteria: Ambry Variant Classification Scheme 2023. Collection method: clinical testing. Allele origin: germline.
Comment: The p.N1756S variant (also known as c.5267A>G), located in coding exon 41 of the FBN2 gene, results from an A to G substitution at nucleotide position 5267. The asparagine at codon 1756 is replaced by serine, an amino acid with highly similar properties. This amino acid position is highly conserved in available vertebrate species. In addition, this alteration is predicted to be tolerated by in silico analysis. Based on the available evidence, the clinical significance of this variant remains unclear.

Labcorp Genetics (formerly Invitae), Labcorp
Classification: Likely benign for Congenital contractural arachnodactyly. Last evaluated: 2025-08-18. Review status: criteria provided, single submitter. Criteria: Invitae Variant Classification Sherloc (09022015). Collection method: clinical testing. Allele origin: germline.

ARUP Laboratories, Molecular Genetics and Genomics, ARUP Laboratories
Classification: Uncertain significance. Last evaluated: 2024-11-11. Review status: criteria provided, single submitter. Criteria: ARUP Molecular Germline Variant Investigation Process 2024. Collection method: clinical testing. Allele origin: germline.
Comment: The FBN2 c.5267A>G; p.Asn1756Ser variant (rs760065931), to our knowledge, is not reported in the medical literature but is reported in ClinVar (Variation ID: 547361). This variant is found in the non-Finnish European population with an overall allele frequency of 0.002% (2/113,506 alleles) in the Genome Aggregation Database (v2.1.1). Computational analyses predict that this variant is deleterious (REVEL: 0.705). However, given the lack of clinical and functional data, the significance of this variant is uncertain at this time.

GeneDx
Classification: Uncertain significance. Last evaluated: 2022-07-07. Review status: criteria provided, single submitter. Criteria: GeneDx Variant Classification Process June 2021. Collection method: clinical testing. Allele origin: germline. Affected: yes.
Comment: Not observed at significant frequency in large population cohorts (gnomAD); In silico analysis supports that this missense variant has a deleterious effect on protein structure/function; Has not been previously published as pathogenic or benign to our knowledge; Not located within exons 24-33, where the majority of pathogenic variants reported to date occur (Callewaert et al., 2009; Frederic et al., 2009); This variant is associated with the following publications: (PMID: 19006240, 18767143)

Center for Human Genetics, Inc
Classification: Uncertain significance for Connective tissue disorder. Last evaluated: 2016-11-01. Review status: criteria provided, single submitter. Criteria: ACMG Guidelines, 2015. Collection method: clinical testing. Allele origin: germline. Affected: yes.

NM_001999.4(FBN2):c.5267A>G (p.Asn1756Ser)

Gene: FBN2 (fibrillin 2; minus strand). Cytogenetic location: 5q23.3.
Variant type: single nucleotide variant.
Coding change: c.5267A>G on transcript NM_001999.4 (MANE Select); coding-DNA position 5267, A replaced by G.
Protein change: p.Asn1756Ser; replaces asparagine 1756 with serine.
Molecular consequence: missense variant.
Genome position (GRCh38, 1-based): chr5:128,309,333, T>C on the plus strand (A>G on the coding strand, the complement: FBN2 is on the minus strand). VCF-style: chr5-128309333-T-C. GRCh37 (hg19) VCF-style: chr5-127645025-T-C.
Other names: short protein forms N1756S.
Identifiers: ClinVar variation 547361 (VCV000547361.15), dbSNP rs760065931, ClinGen allele CA3394740.